The following is an entry in ClinVar:

NM_005263.5(GFI1):c.682G>T (p.Gly228Trp)

Gene: GFI1 (growth factor independent 1 transcriptional repressor; minus strand). Cytogenetic location: 1p22.1.
Variant type: single nucleotide variant.
Coding change: c.682G>T on transcript NM_005263.5 (MANE Select); coding-DNA position 682, G replaced by T.
Protein change: p.Gly228Trp; replaces glycine 228 with tryptophan.
Molecular consequence: missense variant.
Genome position (GRCh38, 1-based): chr1:92,480,705, C>A on the plus strand (G>T on the coding strand, the complement: GFI1 is on the minus strand). VCF-style: chr1-92480705-C-A. GRCh37 (hg19) VCF-style: chr1-92946262-C-A.
Other names: c.682G>T, p.Gly228Trp (NM_001127215.3, NM_001127216.3); short protein forms G228W.
Identifiers: ClinVar variation 3519848 (VCV003519848.3).
Genomic context (GRCh38, chr1:92,480,705, plus strand): 5'-GGCGGGTGCACAGCAGCTCCGACTCCACCTTGACGCCAGCGCCCTTGTCTGCGTGCAGCC[C>A]GTGGCCACGCTCGGGGTACAGCAAGCCCGCCGCTGCCGTGGGCCTCTCATACAGCCCGGC-3'
Protein context (NP_005254.2, residues 218-238): AGLLYPERGH[Gly228Trp]LHADKGAGVK

ClinVar aggregate classification (germline): Uncertain significance. Review status: criteria provided, multiple submitters, no conflicts (2 of 4 stars). 2 submissions from 2 submitters: Uncertain significance (2). Last evaluated 2024-12-06.

Conditions:
Neutropenia, severe congenital, 2, autosomal dominant. Identifiers: Orphanet 486, MedGen C2751288, MONDO:0013139, OMIM 613107.

gnomAD v4.1: 2 of 1,595,704 alleles (0.00013%); highest among the groups gnomAD compares: Admixed American, 0.0017%; no homozygotes.

Submissions (2):

Ambry Genetics
Classification: Uncertain significance. Last evaluated: 2024-12-06. Review status: criteria provided, single submitter. Criteria: Ambry Variant Classification Scheme 2023. Collection method: clinical testing. Allele origin: germline.
Comment: The p.G228W variant (also known as c.682G>T), located in coding exon 3 of the GFI1 gene, results from a G to T substitution at nucleotide position 682. The glycine at codon 228 is replaced by tryptophan, an amino acid with highly dissimilar properties. This amino acid position is conserved. In addition, this alteration is predicted to be tolerated by in silico analysis. Based on the available evidence, the clinical significance of this variant remains unclear.

Labcorp Genetics (formerly Invitae), Labcorp
Classification: Uncertain significance for Neutropenia, severe congenital, 2, autosomal dominant. Last evaluated: 2024-05-14. Review status: criteria provided, single submitter. Criteria: Invitae Variant Classification Sherloc (09022015). Collection method: clinical testing. Allele origin: germline.
Comment: This sequence change replaces glycine, which is neutral and non-polar, with tryptophan, which is neutral and slightly polar, at codon 228 of the GFI1 protein (p.Gly228Trp). The frequency data for this variant in the population databases is considered unreliable, as metrics indicate poor data quality at this position in the gnomAD database. This variant has not been reported in the literature in individuals affected with GFI1-related conditions. Advanced modeling of protein sequence and biophysical properties (such as structural, functional, and spatial information, amino acid conservation, physicochemical variation, residue mobility, and thermodynamic stability) performed at Invitae indicates that this missense variant is not expected to disrupt GFI1 protein function with a negative predictive value of 80%. In summary, the available evidence is currently insufficient to determine the role of this variant in disease. Therefore, it has been classified as a Variant of Uncertain Significance.